The following is an entry in ClinVar:

ClinVar aggregate classification (germline): Uncertain significance (1 of 4 stars; one submission).

Conditions:
COG5-congenital disorder of glycosylation. Also called: CDG IIi; COG5-CDG; CONGENITAL DISORDER OF GLYCOSYLATION, TYPE IIi. Identifiers: Orphanet 263487, MedGen C3150876, MONDO:0013325, OMIM 613612.

Allele frequency attached by ClinVar (database versions not stated): gnomAD 0.00003; TOPMed 0.00006; ESP Exome Variant Server 0.00008.
gnomAD v4.1: 30 of 1,612,002 alleles (0.0019%); highest among the groups gnomAD compares: East Asian, 0.031%; no homozygotes.

Submission:

Labcorp Genetics (formerly Invitae), Labcorp
Classification: Uncertain significance for COG5-congenital disorder of glycosylation. Last evaluated: 2023-08-04. Review status: criteria provided, single submitter. Criteria: Invitae Variant Classification Sherloc (09022015). Collection method: clinical testing. Allele origin: germline.
Comment: In summary, the available evidence is currently insufficient to determine the role of this variant in disease. Therefore, it has been classified as a Variant of Uncertain Significance. An algorithm developed to predict the effect of missense changes on protein structure and function (PolyPhen-2) suggests that this variant is likely to be disruptive. ClinVar contains an entry for this variant (Variation ID: 1438481). This variant has not been reported in the literature in individuals affected with COG5-related conditions. This variant is present in population databases (rs368331483, gnomAD 0.008%). This sequence change replaces arginine, which is basic and polar, with glutamine, which is neutral and polar, at codon 236 of the COG5 protein (p.Arg236Gln).

NM_006348.5(COG5):c.614G>A (p.Arg205Gln)

Gene: COG5 (component of oligomeric golgi complex 5; minus strand). Cytogenetic location: 7q22.3.
Variant type: single nucleotide variant.
Coding change: c.614G>A on transcript NM_006348.5 (MANE Select); coding-DNA position 614, G replaced by A.
Protein change: p.Arg205Gln; replaces arginine 205 with glutamine.
Molecular consequence: missense variant. On other transcripts: intron variant (2).
Genome position (GRCh38, 1-based): chr7:107,412,557, C>T on the plus strand (G>A on the coding strand, the complement: COG5 is on the minus strand). VCF-style: chr7-107412557-C-T. GRCh37 (hg19) VCF-style: chr7-107053002-C-T.
Other names: c.614G>A, p.Arg205Gln (NM_001161520.2, NM_001379511.1, NM_001379512.1 and 3 more transcripts); c.235-50447G>A (NM_001379516.1); c.539-114211G>A (NM_001379515.1); short protein forms R205Q.
Identifiers: ClinVar variation 1438481 (VCV001438481.4), dbSNP rs368331483, ClinGen allele CA4431172.